The following is an entry in ClinVar:

ClinVar aggregate classification (germline): Uncertain significance (1 of 4 stars; one submission).

Conditions:
Hereditary cancer-predisposing syndrome. Also called: Tumor predisposition; Hereditary neoplastic syndrome; Hereditary Cancer Syndrome; Neoplastic Syndromes, Hereditary. Identifiers: Orphanet 140162, MedGen C0027672, MeSH D009386, MONDO:0015356.

Submission:

Ambry Genetics
Classification: Uncertain significance for Hereditary cancer-predisposing syndrome. Last evaluated: 2025-03-26. Review status: criteria provided, single submitter. Criteria: Ambry Variant Classification Scheme 2023. Collection method: clinical testing. Allele origin: germline.
Comment: The p.D42G variant (also known as c.125A>G), located in coding exon 2 of the POLE gene, results from an A to G substitution at nucleotide position 125. The aspartic acid at codon 42 is replaced by glycine, an amino acid with similar properties. This amino acid position is highly conserved in available vertebrate species. In addition, the in silico prediction for this alteration is inconclusive. Based on the available evidence, the clinical significance of this variant remains unclear.

NM_006231.4(POLE):c.125A>G (p.Asp42Gly)

Gene: POLE (DNA polymerase epsilon, catalytic subunit; minus strand). Cytogenetic location: 12q24.33.
Variant type: single nucleotide variant.
Coding change: c.125A>G on transcript NM_006231.4 (MANE Select); coding-DNA position 125, A replaced by G.
Protein change: p.Asp42Gly; replaces aspartic acid 42 with glycine.
Molecular consequence: missense variant.
Genome position (GRCh38, 1-based): chr12:132,681,217, T>C on the plus strand (A>G on the coding strand, the complement: POLE is on the minus strand). VCF-style: chr12-132681217-T-C. GRCh37 (hg19) VCF-style: chr12-133257803-T-C.
Other names: short protein forms D42G.
Identifiers: ClinVar variation 3935694 (VCV003935694.1).